The following is an entry in ClinVar:

NM_000368.5(TSC1):c.3151C>T (p.Pro1051Ser)

Gene: TSC1 (TSC complex subunit 1; minus strand). Cytogenetic location: 9q34.13.
Variant type: single nucleotide variant.
Coding change: c.3151C>T on transcript NM_000368.5 (MANE Select); coding-DNA position 3151, C replaced by T.
Protein change: p.Pro1051Ser; replaces proline 1051 with serine.
Molecular consequence: missense variant.
Genome position (GRCh38, 1-based): chr9:132,896,579, G>A on the plus strand (C>T on the coding strand, the complement: TSC1 is on the minus strand). VCF-style: chr9-132896579-G-A. GRCh37 (hg19) VCF-style: chr9-135771966-G-A.
Other names: c.3148C>T, p.Pro1050Ser (NM_001162426.2); c.2998C>T, p.Pro1000Ser (NM_001162427.2); c.2788C>T, p.Pro930Ser (NM_001362177.2); short protein forms P1000S, P1050S, P1051S, P930S.
Identifiers: ClinVar variation 646880 (VCV000646880.8), dbSNP rs1210523479, ClinGen allele CA375367231.

ClinVar aggregate classification (germline): Uncertain significance. Review status: criteria provided, multiple submitters, no conflicts (2 of 4 stars). 3 submissions from 3 submitters: Uncertain significance (3). Last evaluated 2023-12-10.

Conditions:
Isolated focal cortical dysplasia type II (FCORD2). Also called: Focal cortical dysplasia type II; CORTICAL DYSPLASIA OF TAYLOR. Identifiers: Orphanet 268994, MedGen C1846385, MONDO:0011818, OMIM 607341, HP:0032051.
Tuberous sclerosis 1 (TSC1). Identifiers: Orphanet 805, MedGen C1854465, MONDO:0008612, OMIM 191100.
Hereditary cancer-predisposing syndrome. Also called: Hereditary Cancer Syndrome; Tumor predisposition; Neoplastic Syndromes, Hereditary; Hereditary neoplastic syndrome. Identifiers: Orphanet 140162, MedGen C0027672, MeSH D009386, MONDO:0015356.

Allele frequency attached by ClinVar (database versions not stated): TOPMed below 0.00001; gnomAD 0.00001.
gnomAD v4.1: 1 of 1,613,924 alleles (0.000062%); highest among the groups gnomAD compares: Non-Finnish European, 0.000085%; no homozygotes.

Submissions (3):

Ambry Genetics
Classification: Uncertain significance for Hereditary cancer-predisposing syndrome. Last evaluated: 2023-12-10. Review status: criteria provided, single submitter. Criteria: Ambry Variant Classification Scheme 2023. Collection method: clinical testing. Allele origin: germline.
Comment: The p.P1051S variant (also known as c.3151C>T), located in coding exon 21 of the TSC1 gene, results from a C to T substitution at nucleotide position 3151. The proline at codon 1051 is replaced by serine, an amino acid with similar properties. This amino acid position is conserved. In addition, this alteration is predicted to be tolerated by in silico analysis. Since supporting evidence is limited at this time, the clinical significance of this alteration remains unclear.

Baylor Genetics
Classification: Uncertain significance for Isolated focal cortical dysplasia type II. Last evaluated: 2023-10-30. Review status: criteria provided, single submitter. Criteria: ACMG Guidelines, 2015. Collection method: clinical testing. Allele origin: unknown.

Labcorp Genetics (formerly Invitae), Labcorp
Classification: Uncertain significance for Tuberous sclerosis 1. Last evaluated: 2022-02-08. Review status: criteria provided, single submitter. Criteria: Invitae Variant Classification Sherloc (09022015). Collection method: clinical testing. Allele origin: germline.
Comment: This variant is present in population databases (no rsID available, gnomAD 0.007%). This sequence change replaces proline, which is neutral and non-polar, with serine, which is neutral and polar, at codon 1051 of the TSC1 protein (p.Pro1051Ser). This variant has not been reported in the literature in individuals affected with TSC1-related conditions. ClinVar contains an entry for this variant (Variation ID: 646880). Algorithms developed to predict the effect of missense changes on protein structure and function (SIFT, PolyPhen-2, Align-GVGD) all suggest that this variant is likely to be tolerated. In summary, the available evidence is currently insufficient to determine the role of this variant in disease. Therefore, it has been classified as a Variant of Uncertain Significance.